The following is an entry in ClinVar:

NM_001267550.2(TTN):c.90968G>A (p.Arg30323Lys)

Genes: TTN (titin; minus strand), TTN-AS1 (TTN antisense RNA 1; plus strand). Cytogenetic location: 2q31.2.
Variant type: single nucleotide variant.
Coding change: c.90968G>A on transcript NM_001267550.2 (MANE Select); coding-DNA position 90968, G replaced by A.
Protein change: p.Arg30323Lys; replaces arginine 30323 with lysine.
Molecular consequence: missense variant.
Genome position (GRCh38, 1-based): chr2:178,551,932, C>T on the plus strand (G>A on the coding strand, the complement: TTN is on the minus strand). VCF-style: chr2-178551932-C-T. GRCh37 (hg19) VCF-style: chr2-179416659-C-T.
Other names: p.R27755K:AGG>AAG; c.86045G>A, p.Arg28682Lys (NM_001256850.1); c.83264G>A, p.Arg27755Lys (NM_133378.4); c.63773G>A, p.Arg21258Lys (NM_003319.4); c.64148G>A, p.Arg21383Lys (NM_133432.3); c.64349G>A, p.Arg21450Lys (NM_133437.4); short protein forms R30323K, R27755K, R28682K, R21383K, R21450K, R21258K.
Identifiers: ClinVar variation 47503 (VCV000047503.46), dbSNP rs11887722, ClinGen allele CA284015.
Genomic context (GRCh38, chr2:178,551,932, plus strand): 5'-AGTGACATGCCATCAGAAGTCACATTGTATATAACTGGCTTTCCTGGGGGACCAGGAATC[C>T]TGAACTGGTGTTTTGCCACAATAATGCTTGAGACAAGTGGTTGGCTGACTCCGTATCTGT-3'
Protein context (NP_001254479.2, residues 30313-30333): SSIIVAKHQF[Arg30323Lys]IPGPPGKPVI

ClinVar aggregate classification (germline): Benign/Likely benign. Review status: criteria provided, multiple submitters, no conflicts (2 of 4 stars). 27 submissions from 20 submitters: Benign (21); Likely benign (2). 4 of the submissions do not count toward it. Last evaluated 2026-02-03.

Conditions:
Cardiovascular phenotype. Identifiers: MedGen CN230736.
Dilated cardiomyopathy 1G (CMD1G). Identifiers: Orphanet 154, MedGen C1858763, MONDO:0011400, OMIM 604145.
Autosomal recessive limb-girdle muscular dystrophy type 2J (LGMDR10). Also called: Limb-girdle muscular dystrophy, type 2J; MUSCULAR DYSTROPHY, LIMB-GIRDLE, AUTOSOMAL RECESSIVE 10. Identifiers: Orphanet 140922, MedGen C1837342, MONDO:0012127, OMIM 608807.
Cardiomyopathy (CMYO). Also called: Cardiomyopathies. Identifiers: Orphanet 167848, MedGen C0878544, MONDO:0004994, HP:0001638. Inheritance: Various modes of inheritance.
Early-onset myopathy with fatal cardiomyopathy (CMYO5). Also called: CONGENITAL MYOPATHY 5 WITH CARDIOMYOPATHY; Salih Myopathy. Identifiers: Orphanet 289377, MedGen C2673677, MONDO:0012714, OMIM 611705. Disease mechanism: loss of function.
Myopathy, myofibrillar, 9, with early respiratory failure (MFM9). Also called: MYOPATHY, PROXIMAL, WITH EARLY RESPIRATORY MUSCLE INVOLVEMENT; Myopathy, distal, with early respiratory failure, autosomal dominant; Hereditary myopathy with early respiratory failure; EDSTROM MYOPATHY. Identifiers: Orphanet 178464, Orphanet 34521, MedGen C1863599, MONDO:0011362, OMIM 603689.
Tibial muscular dystrophy (TMD). Also called: Tibial muscular dystrophy, tardive; UDD MYOPATHY; Udd Distal Myopathy – Tibial Muscular Dystrophy. Identifiers: Orphanet 609, MedGen C1838244, MONDO:0010870, OMIM 600334.

Allele frequency attached by ClinVar (database versions not stated): ESP Exome Variant Server 0.03353; 1000 Genomes Project 0.03594; TOPMed 0.03602; 1000 Genomes Project 30x 0.03810.
gnomAD v4.1: 10,503 of 1,613,532 alleles (0.65%); highest among the groups gnomAD compares: African/African-American, 11%; 517 homozygotes.

Submissions (27):

Labcorp Genetics (formerly Invitae), Labcorp
Classification: Benign for Dilated cardiomyopathy 1G; Autosomal recessive limb-girdle muscular dystrophy type 2J. Last evaluated: 2026-02-03. Review status: criteria provided, single submitter. Criteria: Invitae Variant Classification Sherloc (09022015). Collection method: clinical testing. Allele origin: germline.

Molecular Diagnostic Laboratory for Inherited Cardiovascular Disease, Montreal Heart Institute
Classification: Benign. Last evaluated: 2025-04-09. Review status: criteria provided, single submitter. Criteria: ACMG Guidelines, 2015. Collection method: clinical testing. Allele origin: germline. Affected: no.

Athena Diagnostics
Classification: Benign. Last evaluated: 2023-10-17. Review status: criteria provided, single submitter. Criteria: Athena Diagnostics Criteria. Collection method: clinical testing. Allele origin: unknown.

CHEO Genetics Diagnostic Laboratory, Children's Hospital of Eastern Ontario
Classification: Benign for Cardiomyopathy. Last evaluated: 2023-05-16. Review status: criteria provided, single submitter. Criteria: ACMG Guidelines, 2015. Collection method: clinical testing. Allele origin: germline.

Genetic Services Laboratory, University of Chicago
Classification: Benign. Last evaluated: 2022-01-07. Review status: criteria provided, single submitter. Criteria: ACMG Guidelines, 2015. Collection method: clinical testing. Allele origin: germline. Affected: no.

Genome-Nilou Lab
Classification: Benign for Autosomal recessive limb-girdle muscular dystrophy type 2J. Last evaluated: 2021-09-10. Review status: criteria provided, single submitter. Criteria: ACMG Guidelines, 2015. Collection method: clinical testing. Allele origin: germline. Affected: no.

Genome-Nilou Lab
Classification: Benign for Myopathy, myofibrillar, 9, with early respiratory failure. Last evaluated: 2021-09-10. Review status: criteria provided, single submitter. Criteria: ACMG Guidelines, 2015. Collection method: clinical testing. Allele origin: germline. Affected: no.

Genome-Nilou Lab
Classification: Benign for Early-onset myopathy with fatal cardiomyopathy. Last evaluated: 2021-09-10. Review status: criteria provided, single submitter. Criteria: ACMG Guidelines, 2015. Collection method: clinical testing. Allele origin: germline. Affected: no.

Genome-Nilou Lab
Classification: Benign for Tibial muscular dystrophy. Last evaluated: 2021-09-10. Review status: criteria provided, single submitter. Criteria: ACMG Guidelines, 2015. Collection method: clinical testing. Allele origin: germline. Affected: no.

Women's Health and Genetics/Laboratory Corporation of America, LabCorp
Classification: Likely benign. Last evaluated: 2020-10-17. Review status: criteria provided, single submitter. Criteria: LabCorp Variant Classification Summary - May 2015. Collection method: clinical testing. Allele origin: germline.

Mayo Clinic Laboratories, Mayo Clinic
Classification: Benign. Last evaluated: 2018-05-23. Review status: criteria provided, single submitter. Criteria: ACMG Guidelines, 2015. Collection method: clinical testing. Allele origin: germline. Observed: 68 variant alleles.

Illumina Laboratory Services, Illumina
Classification: Benign for Myopathy, myofibrillar, 9, with early respiratory failure. Last evaluated: 2018-01-13. Review status: criteria provided, single submitter. Criteria: ICSL Variant Classification Criteria 13 December 2019. Collection method: clinical testing. Allele origin: germline.
Comment: This variant was observed in the ICSL laboratory as part of a predisposition screen in an ostensibly healthy population. It had not been previously curated by ICSL or reported in the Human Gene Mutation Database (HGMD: prior to June 1st, 2018), and was therefore a candidate for classification through an automated scoring system. Utilizing variant allele frequency, disease prevalence and penetrance estimates, and inheritance mode, an automated score was calculated to assess if this variant is too frequent to cause the disease. Based on the score and internal cut-off values, a variant classified as benign is not then subjected to further curation. The score for this variant resulted in a classification of benign for this disease.

Illumina Laboratory Services, Illumina
Classification: Benign for Tibial muscular dystrophy. Last evaluated: 2018-01-13. Review status: criteria provided, single submitter. Criteria: ICSL Variant Classification Criteria 13 December 2019. Collection method: clinical testing. Allele origin: germline.
Comment: the same text as in the submission from Illumina Laboratory Services, Illumina above.

Illumina Laboratory Services, Illumina
Classification: Benign for Dilated cardiomyopathy 1G. Last evaluated: 2018-01-13. Review status: criteria provided, single submitter. Criteria: ICSL Variant Classification Criteria 13 December 2019. Collection method: clinical testing. Allele origin: germline.
Comment: the same text as in the submission from Illumina Laboratory Services, Illumina above.

Illumina Laboratory Services, Illumina
Classification: Benign for Early-onset myopathy with fatal cardiomyopathy. Last evaluated: 2018-01-13. Review status: criteria provided, single submitter. Criteria: ICSL Variant Classification Criteria 13 December 2019. Collection method: clinical testing. Allele origin: germline.
Comment: the same text as in the submission from Illumina Laboratory Services, Illumina above.

Illumina Laboratory Services, Illumina
Classification: Benign for Autosomal recessive limb-girdle muscular dystrophy type 2J. Last evaluated: 2018-01-13. Review status: criteria provided, single submitter. Criteria: ICSL Variant Classification Criteria 13 December 2019. Collection method: clinical testing. Allele origin: germline.
Comment: the same text as in the submission from Illumina Laboratory Services, Illumina above.

Eurofins Ntd Llc (ga)
Classification: Benign. Last evaluated: 2014-05-21. Review status: criteria provided, single submitter. Criteria: EGL Classification Definitions 2015. Collection method: clinical testing. Allele origin: germline. Observed: 1 variant allele, 1 heterozygote.

Biesecker Lab/Clinical Genomics Section, National Institutes of Health
Classification: Benign. Last evaluated: 2013-06-24. Review status: criteria provided, single submitter. Criteria: Ng et al. (Circ Cardiovasc Genet. 2013). Collection method: research. Allele origin: unknown. Observed: 10 variant alleles. Study: ClinSeq.
Comment: The study set was not selected for affection status in relation to any cancer. Pathogenicity categories were based on literature curation. See Pubmed ID:23861362 for details.

Medical sequencing

GeneDx
Classification: Benign. Last evaluated: 2013-04-30. Review status: criteria provided, single submitter. Criteria: GeneDx Variant Classification (06012015). Collection method: clinical testing. Allele origin: germline. Affected: yes.
Comment: This variant is considered likely benign or benign based on one or more of the following criteria: it is a conservative change, it occurs at a poorly conserved position in the protein, it is predicted to be benign by multiple in silico algorithms, and/or has population frequency not consistent with disease.

Ambry Genetics
Classification: Benign for Cardiovascular phenotype. Last evaluated: 2012-12-14. Review status: criteria provided, single submitter. Criteria: Ambry Autosomal Dominant and X-Linked criteria (10/2015). Collection method: clinical testing. Allele origin: germline. Observed: 1 variant allele.

Laboratory for Molecular Medicine, Mass General Brigham Personalized Medicine
Classification: Benign. Last evaluated: 2012-04-24. Review status: criteria provided, single submitter. Criteria: LMM Criteria. Collection method: clinical testing. Allele origin: germline. Observed: 59 variant alleles.
Comment: Arg27755Lys in exon 284 of TTN: This variant is not expected to have clinical si gnificance because it has been identified in 9.6% (344/3568) of African American chromosomes from a broad population by the NHLBI Exome Sequencing Project.

Breakthrough Genomics
Classification: Likely benign. Review status: criteria provided, single submitter. Criteria: ACMG Guidelines, 2015. Collection method: not provided. Allele origin: germline. Inheritance: Autosomal recessive inheritance. Affected: yes.

PreventionGenetics, part of Exact Sciences
Classification: Benign. Review status: criteria provided, single submitter. Criteria: ACMG Guidelines, 2015. Collection method: clinical testing. Allele origin: germline.

Clinical Genetics DNA and cytogenetics Diagnostics Lab, Erasmus MC, Erasmus Medical Center
Classification: Benign. Review status: no assertion criteria provided. Collection method: clinical testing. Allele origin: germline. Affected: yes. Study: VKGL Data-share Consensus. Not counted in ClinVar's aggregate classification.

Clinical Genetics, Academic Medical Center
Classification: Benign. Review status: no assertion criteria provided. Collection method: clinical testing. Allele origin: germline. Affected: yes. Study: VKGL Data-share Consensus. Not counted in ClinVar's aggregate classification.

Joint Genome Diagnostic Labs from Nijmegen and Maastricht, Radboudumc and MUMC+
Classification: Benign. Review status: no assertion criteria provided. Collection method: clinical testing. Allele origin: germline. Affected: yes. Study: VKGL Data-share Consensus. Not counted in ClinVar's aggregate classification.

Laboratory of Diagnostic Genome Analysis, Leiden University Medical Center (LUMC)
Classification: Likely benign. Review status: no assertion criteria provided. Collection method: clinical testing. Allele origin: germline. Affected: yes. Study: VKGL Data-share Consensus. Not counted in ClinVar's aggregate classification.

Literature cited by the submitters: PubMed 23861362 (cited by Athena Diagnostics).